The following is an entry in ClinVar:

ClinVar aggregate classification (germline): Uncertain significance (1 of 4 stars; one submission).

Allele frequency attached by ClinVar (database versions not stated): gnomAD exomes below 0.00001.
gnomAD v4.1: 1 of 1,609,254 alleles (0.000062%); highest among the groups gnomAD compares: Middle Eastern, 0.017%; no homozygotes.

Submission:

Labcorp Genetics (formerly Invitae), Labcorp
Classification: Uncertain significance. Last evaluated: 2023-07-16. Review status: criteria provided, single submitter. Criteria: Invitae Variant Classification Sherloc (09022015). Collection method: clinical testing. Allele origin: germline.
Comment: In summary, the available evidence is currently insufficient to determine the role of this variant in disease. Therefore, it has been classified as a Variant of Uncertain Significance. Advanced modeling of protein sequence and biophysical properties (such as structural, functional, and spatial information, amino acid conservation, physicochemical variation, residue mobility, and thermodynamic stability) performed at Invitae indicates that this missense variant is not expected to disrupt COL11A2 protein function. This variant has not been reported in the literature in individuals affected with COL11A2-related conditions. This variant is not present in population databases (gnomAD no frequency). This sequence change replaces aspartic acid, which is acidic and polar, with glycine, which is neutral and non-polar, at codon 424 of the COL11A2 protein (p.Asp424Gly).

NM_080680.3(COL11A2):c.1271A>G (p.Asp424Gly)

Gene: COL11A2 (collagen type XI alpha 2 chain; minus strand). Cytogenetic location: 6p21.32.
Variant type: single nucleotide variant.
Coding change: c.1271A>G on transcript NM_080680.3 (MANE Select); coding-DNA position 1271, A replaced by G.
Protein change: p.Asp424Gly; replaces aspartic acid 424 with glycine.
Molecular consequence: missense variant.
Genome position (GRCh38, 1-based): chr6:33,180,681, T>C on the plus strand (A>G on the coding strand, the complement: COL11A2 is on the minus strand). VCF-style: chr6-33180681-T-C. GRCh37 (hg19) VCF-style: chr6-33148458-T-C.
Other names: c.1091A>G, p.Asp364Gly (NM_001424108.1); c.425A>G, p.Asp142Gly (NM_001424109.1); c.245A>G, p.Asp82Gly (NM_001424110.1, NM_001424111.1); c.950A>G, p.Asp317Gly (NM_080679.3); c.1013A>G, p.Asp338Gly (NM_080681.3); short protein forms D364G, D338G, D142G, D317G, D424G, D82G.
Identifiers: ClinVar variation 2986162 (VCV002986162.3), dbSNP rs2535315328, ClinGen allele CA363606301.